The following is an entry in ClinVar:

ClinVar aggregate classification (germline): Uncertain significance. Review status: criteria provided, multiple submitters, no conflicts (2 of 4 stars). 2 submissions from 2 submitters: Uncertain significance (2). Last evaluated 2025-10-29.

Conditions:
Left ventricular noncompaction 8 (LVNC8). Identifiers: Orphanet 154, Orphanet 54260, MedGen C3809288, MONDO:0014152, OMIM 615373.

Allele frequency attached by ClinVar (database versions not stated): gnomAD exomes below 0.00001; ExAC 0.00001; gnomAD 0.00001.
gnomAD v4.1: 6 of 1,611,264 alleles (0.00037%); highest among the groups gnomAD compares: East Asian, 0.0067%; no homozygotes.

Submissions (2):

Labcorp Genetics (formerly Invitae), Labcorp
Classification: Uncertain significance for Left ventricular noncompaction 8. Last evaluated: 2025-10-29. Review status: criteria provided, single submitter. Criteria: Invitae Variant Classification Sherloc (09022015). Collection method: clinical testing. Allele origin: germline.
Comment: This sequence change replaces glycine, which is neutral and non-polar, with serine, which is neutral and polar, at codon 380 of the PRDM16 protein (p.Gly380Ser). The frequency data for this variant in the population databases is considered unreliable, as metrics indicate poor data quality at this position in the gnomAD database. This variant has not been reported in the literature in individuals affected with PRDM16-related conditions. ClinVar contains an entry for this variant (Variation ID: 2497820). An algorithm developed to predict the effect of missense changes on protein structure and function (PolyPhen-2) suggests that this variant is likely to be disruptive. In summary, the available evidence is currently insufficient to determine the role of this variant in disease. Therefore, it has been classified as a Variant of Uncertain Significance.

GeneDx
Classification: Uncertain significance. Last evaluated: 2022-10-04. Review status: criteria provided, single submitter. Criteria: GeneDx Variant Classification Process June 2021. Collection method: clinical testing. Allele origin: germline. Affected: yes.
Comment: Has not been previously published as pathogenic or benign to our knowledge; Not observed at significant frequency in large population cohorts (gnomAD); In silico analysis supports that this missense variant has a deleterious effect on protein structure/function

NM_022114.4(PRDM16):c.1138G>A (p.Gly380Ser)

Gene: PRDM16 (PR/SET domain 16; plus strand). Cytogenetic location: 1p36.32.
Variant type: single nucleotide variant.
Coding change: c.1138G>A on transcript NM_022114.4 (MANE Select); coding-DNA position 1138, G replaced by A.
Protein change: p.Gly380Ser; replaces glycine 380 with serine.
Molecular consequence: missense variant.
Genome position (GRCh38, 1-based): chr1:3,405,600, G>A. VCF-style: chr1-3405600-G-A. GRCh37 (hg19) VCF-style: chr1-3322164-G-A.
Other names: c.1138G>A, p.Gly380Ser (NM_199454.3); short protein forms G380S.
Identifiers: ClinVar variation 2497820 (VCV002497820.2), dbSNP rs772150656, ClinGen allele CA544108.